The following is an entry in ClinVar:

ClinVar aggregate classification (germline): Uncertain significance. Review status: criteria provided, multiple submitters, no conflicts (2 of 4 stars). 2 submissions from 2 submitters: Uncertain significance (2). Last evaluated 2025-02-21.

Conditions:
Inborn genetic diseases. Identifiers: MedGen C0950123, MeSH D030342.

Allele frequency attached by ClinVar (database versions not stated): gnomAD exomes 0.00001 and below 0.00001.
gnomAD v4.1: 8 of 1,605,226 alleles (0.0005%); highest among the groups gnomAD compares: Non-Finnish European, 0.00068%; no homozygotes.

Submissions (2):

Ambry Genetics
Classification: Uncertain significance for Inborn genetic diseases. Last evaluated: 2025-02-21. Review status: criteria provided, single submitter. Criteria: Ambry Variant Classification Scheme 2023. Collection method: clinical testing. Allele origin: germline.

Labcorp Genetics (formerly Invitae), Labcorp
Classification: Uncertain significance. Last evaluated: 2021-06-24. Review status: criteria provided, single submitter. Criteria: Invitae Variant Classification Sherloc (09022015). Collection method: clinical testing. Allele origin: germline.
Comment: This sequence change replaces cysteine with arginine at codon 379 of the SERPINB7 protein (p.Cys379Arg). The cysteine residue is highly conserved and there is a large physicochemical difference between cysteine and arginine. In summary, the available evidence is currently insufficient to determine the role of this variant in disease. Therefore, it has been classified as a Variant of Uncertain Significance. Algorithms developed to predict the effect of missense changes on protein structure and function are either unavailable or do not agree on the potential impact of this missense change (SIFT: "Deleterious"; PolyPhen-2: "Probably Damaging"; Align-GVGD: "Class C0"). This variant has not been reported in the literature in individuals affected with SERPINB7-related conditions. This variant is not present in population databases (ExAC no frequency).

NM_003784.4(SERPINB7):c.1135T>C (p.Cys379Arg)

Gene: SERPINB7 (serpin family B member 7; plus strand). Cytogenetic location: 18q21.33.
Variant type: single nucleotide variant.
Coding change: c.1135T>C on transcript NM_003784.4 (MANE Select); coding-DNA position 1135, T replaced by C.
Protein change: p.Cys379Arg; replaces cysteine 379 with arginine.
Molecular consequence: missense variant.
Genome position (GRCh38, 1-based): chr18:63,804,627, T>C. VCF-style: chr18-63804627-T-C. GRCh37 (hg19) VCF-style: chr18-61471861-T-C.
Other names: c.1135T>C, p.Cys379Arg (NM_001040147.3, NM_001261830.2); c.1084T>C, p.Cys362Arg (NM_001261831.2); c.1135T>C (NM_003784.2); short protein forms C362R, C379R.
Identifiers: ClinVar variation 1381693 (VCV001381693.9), dbSNP rs1199002446, ClinGen allele CA402657848.